The following is an entry in ClinVar:

NC_000018.9:g.(?_20586306)_(20586415_?)del

Gene: RBBP8 (RB binding protein 8, endonuclease; plus strand). Cytogenetic location: 18q11.2.
Variant type: Deletion.
Identifiers: ClinVar variation 2424567 (VCV002424567.4).

ClinVar aggregate classification (germline): Uncertain significance (1 of 4 stars; one submission).

Submission:

Labcorp Genetics (formerly Invitae), Labcorp
Classification: Uncertain significance. Last evaluated: 2022-11-01. Review status: criteria provided, single submitter. Criteria: Invitae Variant Classification Sherloc (09022015). Collection method: clinical testing. Allele origin: germline.
Comment: In summary, the available evidence is currently insufficient to determine the role of this variant in disease. Therefore, it has been classified as a Variant of Uncertain Significance. This variant has not been reported in the literature in individuals affected with RBBP8-related conditions. This variant is a gross deletion of the genomic region encompassing exon(s) 16 of the RBBP8 gene. This deletion is out-of-frame, and is expected to create a premature translational stop signal and result in an absent or disrupted protein product. However, the current clinical and genetic evidence is not sufficient to establish whether loss-of-function variants in RBBP8 cause disease.